The following is an entry in ClinVar:

ClinVar aggregate classification (germline): Conflicting classifications of pathogenicity. Review status: criteria provided, conflicting classifications (1 of 4 stars). 2 submissions from 2 submitters: Uncertain significance (1); Likely benign (1). Last evaluated 2024-07-01.

Conditions:
Early Myoclonic Encephalopathy. Identifiers: MedGen C0270855.
Benign familial infantile epilepsy. Also called: Benign familial infantile seizures. Identifiers: Orphanet 306, MedGen C5575231, MONDO:0017615.

Submissions (2):

Labcorp Genetics (formerly Invitae), Labcorp
Classification: Uncertain significance for Early Myoclonic Encephalopathy. Last evaluated: 2024-07-01. Review status: criteria provided, single submitter. Criteria: Invitae Variant Classification Sherloc (09022015). Collection method: clinical testing. Allele origin: germline.
Comment: This sequence change replaces proline, which is neutral and non-polar, with alanine, which is neutral and non-polar, at codon 506 of the JMJD1C protein (p.Pro506Ala). This variant is not present in population databases (gnomAD no frequency). This variant has not been reported in the literature in individuals affected with JMJD1C-related conditions. ClinVar contains an entry for this variant (Variation ID: 1333724). Advanced modeling of protein sequence and biophysical properties (such as structural, functional, and spatial information, amino acid conservation, physicochemical variation, residue mobility, and thermodynamic stability) performed at Invitae indicates that this missense variant is not expected to disrupt JMJD1C protein function with a negative predictive value of 80%. In summary, the available evidence is currently insufficient to determine the role of this variant in disease. Therefore, it has been classified as a Variant of Uncertain Significance.

Experimental Epileptology, AG Lerche, Hertie Institute for Clinical Brain Research
Classification: Likely benign for Benign familial infantile epilepsy. Last evaluated: 2022-01-02. Review status: criteria provided, single submitter. Criteria: ACMG Guidelines, 2015. Collection method: research. Allele origin: paternal. Affected: yes.
Comment: ACMG/AMP criteria: PM2, PB5, BS4

NM_032776.3(JMJD1C):c.1516C>G (p.Pro506Ala)

Gene: JMJD1C (jumonji domain containing 1C; minus strand). Cytogenetic location: 10q21.3.
Variant type: single nucleotide variant.
Coding change: c.1516C>G on transcript NM_032776.3 (MANE Select); coding-DNA position 1516, C replaced by G.
Protein change: p.Pro506Ala; replaces proline 506 with alanine.
Molecular consequence: missense variant. On other transcripts: non-coding transcript variant (1).
Genome position (GRCh38, 1-based): chr10:63,214,651, G>C on the plus strand (C>G on the coding strand, the complement: JMJD1C is on the minus strand). VCF-style: chr10-63214651-G-C. GRCh37 (hg19) VCF-style: chr10-64974411-G-C.
Other names: NC_000010.11(NM_032776.3):c.1516C>G; NM_032776.3(JMJD1C):p.(Pro506Ala); NM_032776.3(NP_116165.1):p.(Pro506Ala); c.970C>G, p.Pro324Ala (NM_001282948.2, NM_001318154.2); c.652C>G, p.Pro218Ala (NM_001318153.2); c.1402C>G, p.Pro468Ala (NM_001322252.2); c.859C>G, p.Pro287Ala (NM_001322254.2, NM_001322258.2); short protein forms P218A, P287A, P324A, P468A, P506A.
Identifiers: ClinVar variation 1333724 (VCV001333724.6), dbSNP rs1847769670, ClinGen allele CA377048991.